The following is an entry in ClinVar:

ClinVar aggregate classification (germline): Uncertain significance (1 of 4 stars; one submission).

Conditions:
Transcobalamin II deficiency (TCN2D). Also called: Transcolabamin II deficiency; TC II DEFICIENCY; TCN2 DEFICIENCY. Identifiers: Orphanet 859, MedGen C0342701, MONDO:0010149, OMIM 275350.

Allele frequency attached by ClinVar (database versions not stated): gnomAD exomes below 0.00001; ExAC 0.00001; TOPMed 0.00001; gnomAD 0.00003.
gnomAD v4.1: 7 of 1,614,042 alleles (0.00043%); highest among the groups gnomAD compares: African/African-American, 0.0093%; no homozygotes.

Submission:

Labcorp Genetics (formerly Invitae), Labcorp
Classification: Uncertain significance for Transcobalamin II deficiency. Last evaluated: 2025-02-17. Review status: criteria provided, single submitter. Criteria: Invitae Variant Classification Sherloc (09022015). Collection method: clinical testing. Allele origin: germline.
Comment: This sequence change replaces glycine, which is neutral and non-polar, with valine, which is neutral and non-polar, at codon 57 of the TCN2 protein (p.Gly57Val). This variant is present in population databases (rs752965806, gnomAD 0.007%). This variant has not been reported in the literature in individuals affected with TCN2-related conditions. ClinVar contains an entry for this variant (Variation ID: 1921400). Invitae Evidence Modeling of protein sequence and biophysical properties (such as structural, functional, and spatial information, amino acid conservation, physicochemical variation, residue mobility, and thermodynamic stability) indicates that this missense variant is expected to disrupt TCN2 protein function with a positive predictive value of 80%. In summary, the available evidence is currently insufficient to determine the role of this variant in disease. Therefore, it has been classified as a Variant of Uncertain Significance.

NM_000355.4(TCN2):c.170G>T (p.Gly57Val)

Gene: TCN2 (transcobalamin 2; plus strand). Cytogenetic location: 22q12.2.
Variant type: single nucleotide variant.
Coding change: c.170G>T on transcript NM_000355.4 (MANE Select); coding-DNA position 170, G replaced by T.
Protein change: p.Gly57Val; replaces glycine 57 with valine.
Molecular consequence: missense variant.
Genome position (GRCh38, 1-based): chr22:30,610,976, G>T. VCF-style: chr22-30610976-G-T. GRCh37 (hg19) VCF-style: chr22-31006963-G-T.
Other names: c.170G>T, p.Gly57Val (NM_001184726.2); short protein forms G57V.
Identifiers: ClinVar variation 1921400 (VCV001921400.3), dbSNP rs752965806, ClinGen allele CA10184505.
Genomic context (GRCh38, chr22:30,610,976, plus strand): 5'-ACCTCTTACCTTGGATGGACCGGCTTTCCCTGGAGCACTTGAACCCCAGCATCTATGTGG[G>T]CCTACGCCTCTCCAGTCTGCAGGCTGGGACCAAGGAAGACCTCTACCTGCACAGCCTCAA-3'
Protein context (NP_000346.2, residues 47-67): LEHLNPSIYV[Gly57Val]LRLSSLQAGT